The following is an entry in ClinVar:

ClinVar aggregate classification (germline): Uncertain significance. Review status: criteria provided, multiple submitters, no conflicts (2 of 4 stars). 2 submissions from 2 submitters: Uncertain significance (2). Last evaluated 2023-10-23.

Conditions:
Ehlers-Danlos syndrome, musculocontractural type 2 (EDSMC2). Identifiers: Orphanet 2953, MedGen C3809845, MONDO:0014236, OMIM 615539.

Allele frequency attached by ClinVar (database versions not stated): gnomAD 0.00001 and 0.00003; gnomAD exomes 0.00001; TOPMed 0.00012; 1000 Genomes Project 30x 0.00016; 1000 Genomes Project 0.00020.
gnomAD v4.1: 26 of 1,614,110 alleles (0.0016%); highest among the groups gnomAD compares: South Asian, 0.012%; no homozygotes.

Submissions (2):

Labcorp Genetics (formerly Invitae), Labcorp
Classification: Uncertain significance for Ehlers-Danlos syndrome, musculocontractural type 2. Last evaluated: 2023-10-23. Review status: criteria provided, single submitter. Criteria: Invitae Variant Classification Sherloc (09022015). Collection method: clinical testing. Allele origin: germline.
Comment: This sequence change replaces arginine, which is basic and polar, with histidine, which is basic and polar, at codon 716 of the DSE protein (p.Arg716His). This variant is present in population databases (rs549153887, gnomAD 0.006%). This variant has not been reported in the literature in individuals affected with DSE-related conditions. ClinVar contains an entry for this variant (Variation ID: 1413799). Algorithms developed to predict the effect of missense changes on protein structure and function output the following: SIFT: "Not Available"; PolyPhen-2: "Benign"; Align-GVGD: "Not Available". The histidine amino acid residue is found in multiple mammalian species, which suggests that this missense change does not adversely affect protein function. In summary, the available evidence is currently insufficient to determine the role of this variant in disease. Therefore, it has been classified as a Variant of Uncertain Significance.

GeneDx
Classification: Uncertain significance. Last evaluated: 2023-09-05. Review status: criteria provided, single submitter. Criteria: GeneDx Variant Classification Process June 2021. Collection method: clinical testing. Allele origin: germline. Affected: yes.
Comment: Has not been previously published as pathogenic or benign to our knowledge; Not observed at significant frequency in large population cohorts (gnomAD); In silico analysis supports that this missense variant does not alter protein structure/function

NM_013352.4(DSE):c.2147G>A (p.Arg716His)

Gene: DSE (dermatan sulfate epimerase; plus strand). Cytogenetic location: 6q22.1.
Variant type: single nucleotide variant.
Coding change: c.2147G>A on transcript NM_013352.4 (MANE Select); coding-DNA position 2147, G replaced by A.
Protein change: p.Arg716His; replaces arginine 716 with histidine.
Molecular consequence: missense variant. On other transcripts: 3 prime UTR variant (2), non-coding transcript variant (1).
Genome position (GRCh38, 1-based): chr6:116,436,615, G>A. VCF-style: chr6-116436615-G-A. GRCh37 (hg19) VCF-style: chr6-116757778-G-A.
Other names: c.2147G>A, p.Arg716His (NM_001080976.3, NM_001322937.2, NM_001322938.2); c.2204G>A, p.Arg735His (NM_001322939.2); c.1586G>A, p.Arg529His (NM_001322940.2, NM_001322941.2); c.*1012G>A (NM_001322943.2, NM_001322944.2); c.1148G>A, p.Arg383His (NM_001374520.1); c.1112G>A, p.Arg371His (NM_001374521.1); c.2147G>A (NM_013352.2); short protein forms R383H, R716H, R735H, R371H, R529H.
Identifiers: ClinVar variation 1413799 (VCV001413799.6), dbSNP rs549153887, ClinGen allele CA3969769.